The following is an entry in ClinVar:

ClinVar aggregate classification (germline): Uncertain significance (1 of 4 stars; one submission).

Allele frequency attached by ClinVar (database versions not stated): gnomAD exomes below 0.00001.
gnomAD v4.1: 1 of 1,612,978 alleles (0.000062%); highest among the groups gnomAD compares: Non-Finnish European, 0.000085%; no homozygotes.

Submission:

Labcorp Genetics (formerly Invitae), Labcorp
Classification: Uncertain significance. Last evaluated: 2022-06-14. Review status: criteria provided, single submitter. Criteria: Invitae Variant Classification Sherloc (09022015). Collection method: clinical testing. Allele origin: germline.
Comment: Algorithms developed to predict the effect of missense changes on protein structure and function are either unavailable or do not agree on the potential impact of this missense change (SIFT: "Deleterious"; PolyPhen-2: "Not Available"; Align-GVGD: "Class C0"). This variant has not been reported in the literature in individuals affected with CDH23-related conditions. This variant is not present in population databases (gnomAD no frequency). This sequence change replaces arginine, which is basic and polar, with cysteine, which is neutral and slightly polar, at codon 2629 of the CDH23 protein (p.Arg2629Cys). In summary, the available evidence is currently insufficient to determine the role of this variant in disease. Therefore, it has been classified as a Variant of Uncertain Significance.

NM_022124.6(CDH23):c.7885C>T (p.Arg2629Cys)

Gene: CDH23 (cadherin related 23; plus strand). Cytogenetic location: 10q22.1.
Variant type: single nucleotide variant.
Coding change: c.7885C>T on transcript NM_022124.6 (MANE Select); coding-DNA position 7885, C replaced by T.
Protein change: p.Arg2629Cys; replaces arginine 2629 with cysteine.
Molecular consequence: missense variant.
Genome position (GRCh38, 1-based): chr10:71,805,818, C>T. VCF-style: chr10-71805818-C-T. GRCh37 (hg19) VCF-style: chr10-73565575-C-T.
Other names: c.1165C>T, p.Arg389Cys (NM_001171933.1, NM_001171934.1); short protein forms R389C, R2629C.
Identifiers: ClinVar variation 1953483 (VCV001953483.5), dbSNP rs1482866693, ClinGen allele CA377161889.